The following is an entry in ClinVar:

NM_004064.5(CDKN1B):c.-254C>G

Gene: CDKN1B (cyclin dependent kinase inhibitor 1B; plus strand). Cytogenetic location: 12p13.1.
Variant type: single nucleotide variant.
Coding change: c.-254C>G on transcript NM_004064.5 (MANE Select); 254 bases upstream of the start codon, C replaced by G.
Molecular consequence: 5 prime UTR variant.
Genome position (GRCh38, 1-based): chr12:12,717,586, C>G. VCF-style: chr12-12717586-C-G. GRCh37 (hg19) VCF-style: chr12-12870520-C-G.
Identifiers: ClinVar variation 307655 (VCV000307655.5), dbSNP rs561344485, ClinGen allele CA10632230.
Genomic context (GRCh38, chr12:12,717,586, plus strand): 5'-CCGCGGGCTTGCACCCGCCCAGACTCGGACGGGCTTTGCCACCCTCTCCGCTTGCCTGGT[C>G]CCCTCTCCTCTCCGCCCTCCCGCTCGCCAGTCCATTTGATCAGCGGAGACTCGGCGGCCG-3'

ClinVar aggregate classification (germline): Benign (1 of 4 stars; one submission).

Conditions:
Multiple endocrine neoplasia type 4. Also called: MULTIPLE ENDOCRINE NEOPLASIA, TYPE IV. Identifiers: Orphanet 276152, MedGen C1970712, MONDO:0012552, OMIM 610755.

Allele frequency attached by ClinVar (database versions not stated): 1000 Genomes Project 0.00120; 1000 Genomes Project 30x 0.00125.

Submission:

Illumina Laboratory Services, Illumina
Classification: Benign for Multiple endocrine neoplasia type 4. Last evaluated: 2018-01-12. Review status: criteria provided, single submitter. Criteria: ICSL Variant Classification Criteria 13 December 2019. Collection method: clinical testing. Allele origin: germline.
Comment: This variant was observed in the ICSL laboratory as part of a predisposition screen in an ostensibly healthy population. It had not been previously curated by ICSL or reported in the Human Gene Mutation Database (HGMD: prior to June 1st, 2018), and was therefore a candidate for classification through an automated scoring system. Utilizing variant allele frequency, disease prevalence and penetrance estimates, and inheritance mode, an automated score was calculated to assess if this variant is too frequent to cause the disease. Based on the score and internal cut-off values, a variant classified as benign is not then subjected to further curation. The score for this variant resulted in a classification of benign for this disease.